The following is an entry in ClinVar:

ClinVar aggregate classification (germline): Uncertain significance (1 of 4 stars; one submission).

Conditions:
Atypical hemolytic-uremic syndrome. Identifiers: Orphanet 2134, MedGen C2931788, MONDO:0016244.

Submission:

Genomenon, Inc
Classification: Uncertain significance for Atypical hemolytic-uremic syndrome. Last evaluated: 2025-10-02. Review status: criteria provided, single submitter. Criteria: Genomenon Sequence Variant Interpretation Standards - Updated. Collection method: curation. Allele origin: germline. Affected: yes.
Comment: CFH p.Cys926Arg (c.2776T>C) is a missense variant that changes the amino acid at residue 926 from Cysteine to Arginine. This variant has been observed in at least one proband affected with atypical hemolytic-uremic syndrome (PMID:31118930). It is absent or not present at a significant frequency in gnomAD. In silico models agree that this variant is possibly or probably damaging. In conclusion, we classify CFH p.Cys926Arg (c.2776T>C) as a variant of uncertain significance.

Literature cited by the submitters: PubMed 31118930.

NM_000186.4(CFH):c.2776T>C (p.Cys926Arg)

Gene: CFH (complement factor H; plus strand). Cytogenetic location: 1q31.3.
Variant type: single nucleotide variant.
Coding change: c.2776T>C on transcript NM_000186.4 (MANE Select); coding-DNA position 2776, T replaced by C.
Protein change: p.Cys926Arg; replaces cysteine 926 with arginine.
Molecular consequence: missense variant.
Genome position (GRCh38, 1-based): chr1:196,737,654, T>C. VCF-style: chr1-196737654-T-C. GRCh37 (hg19) VCF-style: chr1-196706784-T-C.
Other names: short protein forms C926R.
Identifiers: ClinVar variation 4291510 (VCV004291510.1).
Genomic context (GRCh38, chr1:196,737,654, plus strand): 5'-AGGATATCTGAAGAAAATGAAACAACATGCTACATGGGAAAATGGAGTTCTCCACCTCAG[T>C]GTGAAGGTTAGGCCAATATGAATACTCAATTTCTGTTTATAGTAGAATTCATAAAAATAA-3'
Protein context (NP_000177.2, residues 916-936): YMGKWSSPPQ[Cys926Arg]EGLPCKSPPE